The following is an entry in ClinVar:

NM_001105206.3(LAMA4):c.1643T>C (p.Leu548Pro)

Gene: LAMA4 (laminin subunit alpha 4; minus strand). Cytogenetic location: 6q21.
Variant type: single nucleotide variant.
Coding change: c.1643T>C on transcript NM_001105206.3 (MANE Select); coding-DNA position 1643, T replaced by C.
Protein change: p.Leu548Pro; replaces leucine 548 with proline.
Molecular consequence: missense variant.
Genome position (GRCh38, 1-based): chr6:112,165,185, A>G on the plus strand (T>C on the coding strand, the complement: LAMA4 is on the minus strand). VCF-style: chr6-112165185-A-G. GRCh37 (hg19) VCF-style: chr6-112486387-A-G.
Other names: c.1622T>C, p.Leu541Pro (NM_001105207.3, NM_002290.5); c.1622T>C (NM_002290.3); short protein forms L541P, L548P.
Identifiers: ClinVar variation 560615 (VCV000560615.10), dbSNP rs1562683086, ClinGen allele CA365367591.

ClinVar aggregate classification (germline): Uncertain significance. Review status: criteria provided, multiple submitters, no conflicts (2 of 4 stars). 4 submissions from 4 submitters: Uncertain significance (3). 1 of the submissions does not count toward it. Last evaluated 2026-01-11.

Conditions:
Cardiovascular phenotype. Identifiers: MedGen CN230736.
Dilated cardiomyopathy 1JJ (CMD1JJ). Identifiers: Orphanet 154, MedGen C3808935, MONDO:0014095, OMIM 615235.

Allele frequency attached by ClinVar (database versions not stated): gnomAD 0.00001.
gnomAD v4.1: 11 of 1,609,672 alleles (0.00068%); highest among the groups gnomAD compares: East Asian, 0.0045%; no homozygotes.

Submissions (4):

Labcorp Genetics (formerly Invitae), Labcorp
Classification: Uncertain significance for Dilated cardiomyopathy 1JJ. Last evaluated: 2026-01-11. Review status: criteria provided, single submitter. Criteria: Invitae Variant Classification Sherloc (09022015). Collection method: clinical testing. Allele origin: germline.
Comment: This sequence change replaces leucine, which is neutral and non-polar, with proline, which is neutral and non-polar, at codon 541 of the LAMA4 protein (p.Leu541Pro). This variant is not present in population databases (gnomAD no frequency). This variant has not been reported in the literature in individuals affected with LAMA4-related conditions. ClinVar contains an entry for this variant (Variation ID: 560615). Invitae Evidence Modeling of protein sequence and biophysical properties (such as structural, functional, and spatial information, amino acid conservation, physicochemical variation, residue mobility, and thermodynamic stability) indicates that this missense variant is not expected to disrupt LAMA4 protein function with a negative predictive value of 80%. In summary, the available evidence is currently insufficient to determine the role of this variant in disease. Therefore, it has been classified as a Variant of Uncertain Significance.

GeneDx
Classification: Uncertain significance. Last evaluated: 2024-11-26. Review status: criteria provided, single submitter. Criteria: GeneDx Variant Classification Process June 2021. Collection method: clinical testing. Allele origin: germline.
Comment: Has not been previously published as pathogenic or benign to our knowledge; Not observed at significant frequency in large population cohorts (gnomAD); In silico analysis supports that this missense variant has a deleterious effect on protein structure/function

Ambry Genetics
Classification: Uncertain significance for Cardiovascular phenotype. Last evaluated: 2023-10-01. Review status: criteria provided, single submitter. Criteria: Ambry Variant Classification Scheme 2023. Collection method: clinical testing. Allele origin: germline.
Comment: The p.L541P variant (also known as c.1622T>C), located in coding exon 12 of the LAMA4 gene, results from a T to C substitution at nucleotide position 1622. The leucine at codon 541 is replaced by proline, an amino acid with similar properties. This amino acid position is conserved. In addition, this alteration is predicted to be tolerated by in silico analysis. Since supporting evidence is limited at this time, the clinical significance of this alteration remains unclear.

Clinical Molecular Genetics Laboratory, Johns Hopkins All Children's Hospital
Classification: Uncertain significance. Last evaluated: 2016-01-13. Review status: no assertion criteria provided. Collection method: clinical testing. Allele origin: germline. Affected: yes. Not counted in ClinVar's aggregate classification.